The following is an entry in ClinVar:

NM_007373.4(SHOC2):c.972+268T>C

Gene: SHOC2 (SHOC2 leucine rich repeat scaffold protein; plus strand). Cytogenetic location: 10q25.2.
Variant type: single nucleotide variant.
Coding change: c.972+268T>C on transcript NM_007373.4 (MANE Select); 268 bases into the intron after coding-DNA position 972, T replaced by C.
Molecular consequence: intron variant.
Genome position (GRCh38, 1-based): chr10:111,000,813, T>C. VCF-style: chr10-111000813-T-C. GRCh37 (hg19) VCF-style: chr10-112760571-T-C.
Other names: c.972+268T>C (NM_001324336.2, NM_001324337.2); c.834+268T>C (NM_001269039.3).
Identifiers: ClinVar variation 561891 (VCV000561891.1), dbSNP rs11597460, ClinGen allele CA213913744.

ClinVar aggregate classification (germline): Benign (1 of 4 stars; one submission).

Allele frequency attached by ClinVar (database versions not stated): 1000 Genomes Project 0.04413; 1000 Genomes Project 30x 0.04435; TOPMed 0.05837; gnomAD 0.05848 and 0.06116.
gnomAD v4.1: 8,843 of 152,226 alleles (5.8%); highest among the groups gnomAD compares: African/African-American, 11%; 336 homozygotes.

Submission:

GeneDx
Classification: Benign. Last evaluated: 2018-06-14. Review status: criteria provided, single submitter. Criteria: GeneDx Variant Classification (06012015). Collection method: clinical testing. Allele origin: germline. Affected: yes.
Comment: This variant is considered likely benign or benign based on one or more of the following criteria: it is a conservative change, it occurs at a poorly conserved position in the protein, it is predicted to be benign by multiple in silico algorithms, and/or has population frequency not consistent with disease.